The following is an entry in ClinVar:

NM_005159.5(ACTC1):c.968C>T (p.Ala323Val)

Genes: ACTC1 (actin alpha cardiac muscle 1; minus strand), GJD2-DT (GJD2 divergent transcript; plus strand). Cytogenetic location: 15q14.
Variant type: single nucleotide variant.
Coding change: c.968C>T on transcript NM_005159.5 (MANE Select); coding-DNA position 968, C replaced by T.
Protein change: p.Ala323Val; replaces alanine 323 with valine.
Molecular consequence: missense variant.
Genome position (GRCh38, 1-based): chr15:34,791,136, G>A on the plus strand (C>T on the coding strand, the complement: ACTC1 is on the minus strand). VCF-style: chr15-34791136-G-A. GRCh37 (hg19) VCF-style: chr15-35083337-G-A.
Other names: p.A323V:GCT>GTT; c.968C>T (LRG_388t1); short protein forms A323V.
Identifiers: ClinVar variation 180771 (VCV000180771.17), dbSNP rs730880404, ClinGen allele CA020011.

ClinVar aggregate classification (germline): Conflicting classifications of pathogenicity. Review status: criteria provided, conflicting classifications (1 of 4 stars). 6 submissions from 6 submitters: Pathogenic (1); Likely pathogenic (2); Uncertain significance (3). Last evaluated 2024-04-10.

Conditions:
ACTC1-related disorder. Also called: ACTC1-related condition.
Cardiovascular phenotype. Identifiers: MedGen CN230736.
Atrial septal defect 5 (ASD5). Identifiers: Orphanet 1478, MedGen C2748552, MONDO:0013011, OMIM 612794.
Dilated cardiomyopathy 1R (CMD1R). Identifiers: Orphanet 154, Orphanet 54260, MedGen C3150681, MONDO:0013261, OMIM 613424.
Hypertrophic cardiomyopathy 11. Also called: ACTC1-Related Familial Hypertrophic Cardiomyopathy. Identifiers: MedGen C2677506, MONDO:0012799, OMIM 612098.
Hypertrophic cardiomyopathy. Also called: HYPERTROPHIC MYOCARDIOPATHY. Identifiers: Orphanet 217569, MedGen C0007194, MeSH D002312, MONDO:0005045, HP:0001639.

Submissions (6):

Blueprint Genetics
Classification: Likely pathogenic for ACTC1-related disorders. Last evaluated: 2024-04-10. Review status: criteria provided, single submitter. Criteria: ACMG Guidelines, 2015. Collection method: clinical testing. Allele origin: germline. Affected: yes. Observed: 2 variant alleles.

Labcorp Genetics (formerly Invitae), Labcorp
Classification: Uncertain significance for Dilated cardiomyopathy 1R; Hypertrophic cardiomyopathy 11; Atrial septal defect 5. Last evaluated: 2023-08-28. Review status: criteria provided, single submitter. Criteria: Invitae Variant Classification Sherloc (09022015). Collection method: clinical testing. Allele origin: germline.
Comment: This sequence change replaces alanine, which is neutral and non-polar, with valine, which is neutral and non-polar, at codon 323 of the ACTC1 protein (p.Ala323Val). This variant is not present in population databases (gnomAD no frequency). This missense change has been observed in individuals with hypertrophic cardiomyopathy (PMID: 21839045, 25239116, 28790153; Invitae). ClinVar contains an entry for this variant (Variation ID: 180771). Advanced modeling of protein sequence and biophysical properties (such as structural, functional, and spatial information, amino acid conservation, physicochemical variation, residue mobility, and thermodynamic stability) performed at Invitae indicates that this missense variant is not expected to disrupt ACTC1 protein function. In summary, the available evidence is currently insufficient to determine the role of this variant in disease. Therefore, it has been classified as a Variant of Uncertain Significance.

Center for Human Genetics, University of Leuven
Classification: Uncertain significance for Hypertrophic cardiomyopathy. Last evaluated: 2018-10-31. Review status: criteria provided, single submitter. Criteria: ACMG Guidelines, 2015. Collection method: clinical testing. Allele origin: germline. Affected: yes.

Ambry Genetics
Classification: Uncertain significance for Cardiovascular phenotype. Last evaluated: 2018-08-02. Review status: criteria provided, single submitter. Criteria: Ambry Variant Classification Scheme 2023. Collection method: clinical testing. Allele origin: germline.
Comment: The p.A323V variant (also known as c.968C>T), located in coding exon 5 of the ACTC1 gene, results from a C to T substitution at nucleotide position 968. The alanine at codon 323 is replaced by valine, an amino acid with similar properties. This alteration has been reported in association with hypertrophic cardiomyopathy (HCM) and was reported once in a subject with an alteration in another cardiac-related gene (Maron BJ et al. Heart Rhythm, 2012 Jan;9:57-63; Burns C et al. Circ Cardiovasc Genet, 2017 Aug;10(4)). This amino acid position is highly conserved in available vertebrate species. In addition, this alteration is predicted to be deleterious by in silico analysis. Since supporting evidence is limited at this time, the clinical significance of this alteration remains unclear.

Agnes Ginges Centre for Molecular Cardiology, Centenary Institute
Classification: Likely pathogenic for Hypertrophic cardiomyopathy 11. Last evaluated: 2018-05-02. Review status: criteria provided, single submitter. Criteria: ACMG Guidelines, 2015. Collection method: research. Allele origin: germline. Inheritance: Autosomal dominant inheritance. Affected: yes.
Comment: The ACTC1 Ala323Val has been reported previously in a HCM proband carrying another variant in a sarcomere gene, the proband was reported to have a family history of sudden cardiac death (Maron MS, et al., 2012). The variant has also been identified by another laboratory in at least 4 HCM probands and 2 family members (Genedx, personal communication). ACTC1 Ala323Val is absent in the Genome Aggregation Database. Computational tools predict this variant to have a deleterious effect (SIFT: "Deleterious"; MutationTaster: Disease-causing"; CADD score: 25.4). Based on the adapted ACMG guidelines (Kelly MA, et al., 2018) this variant has been reported in at least 2 HCM probands (PS4_supporting), in silico tools predict it to be deleterious (PP3), segregates with multiple affected family members (PP1_moderate) and is rare in the general population (PM2), therefore we classify ACTC1 Ala323Val as "likely pathogenic ".

GeneDx
Classification: Pathogenic. Last evaluated: 2014-01-26. Review status: criteria provided, single submitter. Criteria: GeneDx Variant Classification (06012015). Collection method: clinical testing. Allele origin: germline. Affected: yes.
Comment: p.Ala323Val (GCT>GTT): c.968 C>T in exon 6 of the ACTC1 gene (NM_005159.4). The A323V mutation in the ACTC1 gene has been reported in one patient with HCM (Maron B et al., 2012). This study did not observed this mutation in 300 control chromosomes. Additionally, A323V was not observed in approximately 6,500 individuals of European and African American ancestry in the NHLBI Exome Sequencing Project, indicating it is not a common benign variant in these populations. The A323V mutation is a non-conservative amino acid substitution as these residues differ in polarity, charge, size and/or other properties and is more likely to impact secondary structure. The A323 residue is highly conserved across species. Mutations in nearby residues (R314H, A333P) have been reported in association with cardiomyopathy further supporting the functional importance of this region of the protein. In summary, A323V in the ACTC1 gene is interpreted as a disease-causing mutation. The variant is found in HCM panel(s).

Literature cited by the submitters: PubMed 21839045 (cited by 3 submitters); PubMed 25239116 (cited by Labcorp Genetics (formerly Invitae), Labcorp and Agnes Ginges Centre for Molecular Cardiology, Centenary Institute); PubMed 28790153 (cited by Labcorp Genetics (formerly Invitae), Labcorp and Ambry Genetics); PubMed 22563033 (cited by Agnes Ginges Centre for Molecular Cardiology, Centenary Institute).